The following is an entry in ClinVar:

NM_201384.3(PLEC):c.5048C>T (p.Ala1683Val)

Gene: PLEC (plectin; minus strand). Cytogenetic location: 8q24.3.
Variant type: single nucleotide variant.
Coding change: c.5048C>T on transcript NM_201384.3 (MANE Select); coding-DNA position 5048, C replaced by T.
Protein change: p.Ala1683Val; replaces alanine 1683 with valine.
Molecular consequence: missense variant. On other transcripts: intron variant (1).
Genome position (GRCh38, 1-based): chr8:143,924,881, G>A on the plus strand (C>T on the coding strand, the complement: PLEC is on the minus strand). VCF-style: chr8-143924881-G-A. GRCh37 (hg19) VCF-style: chr8-144999049-G-A.
Other names: c.5129C>T, p.Ala1710Val (NM_000445.5); c.5006C>T, p.Ala1669Val (NM_201378.4); c.4982C>T, p.Ala1661Val (NM_201379.3); c.5459C>T, p.Ala1820Val (NM_201380.4); c.4952C>T, p.Ala1651Val (NM_201381.3); c.5048C>T, p.Ala1683Val (NM_201382.4); c.5060C>T, p.Ala1687Val (NM_201383.3); c.4125+1903C>T (NM_001410941.1); short protein forms A1651V, A1820V, A1661V, A1687V, A1683V, A1710V, A1669V.
Identifiers: ClinVar variation 2930220 (VCV002930220.3), dbSNP rs1213111240, ClinGen allele CA372550166.

ClinVar aggregate classification (germline): Uncertain significance (1 of 4 stars; one submission).

Conditions:
Epidermolysis bullosa simplex with nail dystrophy (EBS5D). Identifiers: MedGen C4225309, MONDO:0014661, OMIM 616487.
Epidermolysis bullosa simplex 5B, with muscular dystrophy (EBS5B). Also called: EPIDERMOLYSIS BULLOSA SIMPLEX AND LIMB-GIRDLE MUSCULAR DYSTROPHY; Epidermolysis bullosa simplex with muscular dystrophy. Identifiers: Orphanet 257, MedGen C2931072, MONDO:0009181, OMIM 226670.
Epidermolysis bullosa simplex 5C, with pyloric atresia (EBS5C). Also called: PLEC-Related Epidermolysis Bullosa with Pyloric Atresia; Epidermolysis bullosa simplex with pyloric atresia; PLEC1-Related Epidermolysis Bullosa with Pyloric Atresia. Identifiers: Orphanet 158684, MedGen C2677349, MONDO:0012807, OMIM 612138.
Autosomal recessive limb-girdle muscular dystrophy type 2Q (LGMDR17). Also called: MUSCULAR DYSTROPHY, LIMB-GIRDLE, AUTOSOMAL RECESSIVE 17. Identifiers: Orphanet 254361, MedGen C3150989, MONDO:0013390, OMIM 613723.
Epidermolysis bullosa simplex, Ogna type (EBS5A). Also called: Pidermolysis bullosa simplex 5A, Ogna type; EPIDERMOLYSIS BULLOSA SIMPLEX 5A, OGNA TYPE. Identifiers: Orphanet 79401, MedGen C0432317, MONDO:0007555, OMIM 131950.

Allele frequency attached by ClinVar (database versions not stated): gnomAD exomes below 0.00001.
gnomAD v4.1: 1 of 1,589,134 alleles (0.000063%); highest among the groups gnomAD compares: African/African-American, 0.0013%; no homozygotes.

Submission:

Labcorp Genetics (formerly Invitae), Labcorp
Classification: Uncertain significance for Autosomal recessive limb-girdle muscular dystrophy type 2Q; Epidermolysis bullosa simplex, Ogna type; Epidermolysis bullosa simplex with nail dystrophy; Epidermolysis bullosa simplex 5C, with pyloric atresia; Epidermolysis bullosa simplex 5B, with muscular dystrophy. Last evaluated: 2023-12-09. Review status: criteria provided, single submitter. Criteria: Invitae Variant Classification Sherloc (09022015). Collection method: clinical testing. Allele origin: germline.
Comment: This sequence change replaces alanine, which is neutral and non-polar, with valine, which is neutral and non-polar, at codon 1710 of the PLEC protein (p.Ala1710Val). This variant is not present in population databases (gnomAD no frequency). This variant has not been reported in the literature in individuals affected with PLEC-related conditions. Advanced modeling of protein sequence and biophysical properties (such as structural, functional, and spatial information, amino acid conservation, physicochemical variation, residue mobility, and thermodynamic stability) performed at Invitae indicates that this missense variant is not expected to disrupt PLEC protein function with a negative predictive value of 80%. In summary, the available evidence is currently insufficient to determine the role of this variant in disease. Therefore, it has been classified as a Variant of Uncertain Significance.